The following is an entry in ClinVar:

NM_000215.4(JAK3):c.1924G>C (p.Gly642Arg)

Gene: JAK3 (Janus kinase 3; minus strand). Cytogenetic location: 19p13.11.
Variant type: single nucleotide variant.
Coding change: c.1924G>C on transcript NM_000215.4 (MANE Select); coding-DNA position 1924, G replaced by C.
Protein change: p.Gly642Arg; replaces glycine 642 with arginine.
Molecular consequence: missense variant.
Genome position (GRCh38, 1-based): chr19:17,835,206, C>G on the plus strand (G>C on the coding strand, the complement: JAK3 is on the minus strand). VCF-style: chr19-17835206-C-G. GRCh37 (hg19) VCF-style: chr19-17946015-C-G.
Other names: short protein forms G642R.
Identifiers: ClinVar variation 1006192 (VCV001006192.6), dbSNP rs1435749725, ClinGen allele CA404768455.

ClinVar aggregate classification (germline): Uncertain significance (1 of 4 stars; one submission).

Conditions:
T-B+ severe combined immunodeficiency due to JAK3 deficiency. Also called: SCID, T CELL-NEGATIVE, B CELL-POSITIVE, NK CELL-NEGATIVE; SCID, autosomal recessive, T-negative/B-positive type. Identifiers: Orphanet 35078, MedGen C1833275, MONDO:0010938, OMIM 600802.

Allele frequency attached by ClinVar (database versions not stated): gnomAD exomes below 0.00001; gnomAD 0.00001; TOPMed 0.00002.
gnomAD v4.1: 4 of 1,613,874 alleles (0.00025%); highest among the groups gnomAD compares: Non-Finnish European, 0.00025%; no homozygotes.

Submission:

Labcorp Genetics (formerly Invitae), Labcorp
Classification: Uncertain significance for T-B+ severe combined immunodeficiency due to JAK3 deficiency. Last evaluated: 2022-03-07. Review status: criteria provided, single submitter. Criteria: Invitae Variant Classification Sherloc (09022015). Collection method: clinical testing. Allele origin: germline.
Comment: This sequence change replaces glycine, which is neutral and non-polar, with arginine, which is basic and polar, at codon 642 of the JAK3 protein (p.Gly642Arg). This variant is present in population databases (no rsID available, gnomAD 0.003%). This missense change has been observed in individual(s) with severe combined immunodeficiency (PMID: 27484032). ClinVar contains an entry for this variant (Variation ID: 1006192). Advanced modeling of protein sequence and biophysical properties (such as structural, functional, and spatial information, amino acid conservation, physicochemical variation, residue mobility, and thermodynamic stability) performed at Invitae indicates that this missense variant is not expected to disrupt JAK3 protein function. In summary, the available evidence is currently insufficient to determine the role of this variant in disease. Therefore, it has been classified as a Variant of Uncertain Significance.

Literature cited by the submitters: PubMed 27484032.